The following is an entry in ClinVar:

NM_020937.4(FANCM):c.2089A>G (p.Ser697Gly)

Gene: FANCM (FA complementation group M; plus strand). Cytogenetic location: 14q21.2.
Variant type: single nucleotide variant.
Coding change: c.2089A>G on transcript NM_020937.4 (MANE Select); coding-DNA position 2089, A replaced by G.
Protein change: p.Ser697Gly; replaces serine 697 with glycine.
Molecular consequence: missense variant.
Genome position (GRCh38, 1-based): chr14:45,170,675, A>G. VCF-style: chr14-45170675-A-G. GRCh37 (hg19) VCF-style: chr14-45639878-A-G.
Other names: c.2011A>G, p.Ser671Gly (NM_001308133.2); short protein forms S671G, S697G.
Identifiers: ClinVar variation 3004156 (VCV003004156.3), dbSNP rs2503163140, ClinGen allele CA389596109.

ClinVar aggregate classification (germline): Uncertain significance (1 of 4 stars; one submission).

Conditions:
Fanconi anemia (FA). Also called: Fanconi's anemia. Identifiers: Orphanet 84, MedGen C0015625, MeSH D005199, MONDO:0019391.

Allele frequency attached by ClinVar (database versions not stated): gnomAD exomes below 0.00001.
gnomAD v4.1: 1 of 1,606,540 alleles (0.000062%); highest among the groups gnomAD compares: Non-Finnish European, 0.000085%; no homozygotes.

Submission:

Labcorp Genetics (formerly Invitae), Labcorp
Classification: Uncertain significance for Fanconi anemia. Last evaluated: 2023-09-23. Review status: criteria provided, single submitter. Criteria: Invitae Variant Classification Sherloc (09022015). Collection method: clinical testing. Allele origin: germline.
Comment: In summary, the available evidence is currently insufficient to determine the role of this variant in disease. Therefore, it has been classified as a Variant of Uncertain Significance. Algorithms developed to predict the effect of missense changes on protein structure and function output the following: SIFT: "Not Available"; PolyPhen-2: "Benign"; Align-GVGD: "Not Available". The glycine amino acid residue is found in multiple mammalian species, which suggests that this missense change does not adversely affect protein function. This variant has not been reported in the literature in individuals affected with FANCM-related conditions. This variant is not present in population databases (gnomAD no frequency). This sequence change replaces serine, which is neutral and polar, with glycine, which is neutral and non-polar, at codon 697 of the FANCM protein (p.Ser697Gly).